The following is an entry in ClinVar:

ClinVar aggregate classification (germline): Uncertain significance (1 of 4 stars; one submission).

Allele frequency attached by ClinVar (database versions not stated): gnomAD exomes below 0.00001.

Submission:

Ambry Genetics
Classification: Uncertain significance. Last evaluated: 2020-05-21. Review status: criteria provided, single submitter. Criteria: Ambry Variant Classification Scheme 2023. Collection method: clinical testing. Allele origin: germline.
Comment: The p.L284F variant (also known as c.850C>T), located in coding exon 9 of the HARS gene, results from a C to T substitution at nucleotide position 850. The leucine at codon 284 is replaced by phenylalanine, an amino acid with highly similar properties. This amino acid position is well conserved in available vertebrate species. In addition, this alteration is predicted to be tolerated by in silico analysis. Since supporting evidence is limited at this time, the clinical significance of this alteration remains unclear.

NM_002109.6(HARS1):c.850C>T (p.Leu284Phe)

Gene: HARS1 (histidyl-tRNA synthetase 1; minus strand). Cytogenetic location: 5q31.3.
Variant type: single nucleotide variant.
Coding change: c.850C>T on transcript NM_002109.6 (MANE Select); coding-DNA position 850, C replaced by T.
Protein change: p.Leu284Phe; replaces leucine 284 with phenylalanine.
Molecular consequence: missense variant.
Genome position (GRCh38, 1-based): chr5:140,677,090, G>A on the plus strand (C>T on the coding strand, the complement: HARS1 is on the minus strand). VCF-style: chr5-140677090-G-A. GRCh37 (hg19) VCF-style: chr5-140056675-G-A.
Other names: c.730C>T, p.Leu244Phe (NM_001258040.3); c.790C>T, p.Leu264Phe (NM_001258041.3); c.670C>T, p.Leu224Phe (NM_001258042.3); c.628C>T, p.Leu210Phe (NM_001289092.2); c.508C>T, p.Leu170Phe (NM_001289093.2); c.763C>T, p.Leu255Phe (NM_001289094.2); short protein forms L170F, L210F, L224F, L244F, L255F, L264F, L284F.
Identifiers: ClinVar variation 1800304 (VCV001800304.2), dbSNP rs1050246, ClinGen allele CA361253311.
Genomic context (GRCh38, chr5:140,677,090, plus strand): 5'-ACTTCAGGTCTCCCAGGCCCTCCAAGGCCTGCTTGTTTTGGGATAGTTTAGGATCCTGGA[G>A]CAGCTGTTCCACCAGGGATACCCCACCTGGGGAGACAGACTTGTGAGTGAGGCTGACAAG-3'
Protein context (NP_002100.2, residues 274-294): HGGVSLVEQL[Leu284Phe]QDPKLSQNKQ